The following is an entry in ClinVar:

NM_004174.4(SLC9A3):c.1319CCA[1] (p.Thr441del)

Gene: SLC9A3 (solute carrier family 9 member A3). Cytogenetic location: 5p15.33.
Variant type: Microsatellite.
Coding change: c.1319CCA[1] on transcript NM_004174.4 (MANE Select); one copy of the 3-base unit CCA starting at c.1319.
Protein change: p.Thr441del; deletes threonine 441.
Molecular consequence: inframe deletion.
Genome position: GRCh38 VCF-style: chr5-482579-ATGG-A. GRCh37 (hg19) VCF-style: chr5-482694-ATGG-A.
Other names: c.1319CCA[1], p.Thr441del (NM_001284351.3); short protein forms T441del.
Identifiers: ClinVar variation 2104121 (VCV002104121.4), dbSNP rs757606946, ClinGen allele CA3176008.

ClinVar aggregate classification (germline): Uncertain significance (1 of 4 stars; one submission).

Submission:

Labcorp Genetics (formerly Invitae), Labcorp
Classification: Uncertain significance. Last evaluated: 2022-02-28. Review status: criteria provided, single submitter. Criteria: Invitae Variant Classification Sherloc (09022015). Collection method: clinical testing. Allele origin: germline.
Comment: In summary, the available evidence is currently insufficient to determine the role of this variant in disease. Therefore, it has been classified as a Variant of Uncertain Significance. Experimental studies and prediction algorithms are not available or were not evaluated, and the functional significance of this variant is currently unknown. This variant has not been reported in the literature in individuals affected with SLC9A3-related conditions. This variant is present in population databases (rs757606946, gnomAD 0.0009%). This variant, c.1322_1324del, results in the deletion of 1 amino acid(s) of the SLC9A3 protein (p.Thr441del), but otherwise preserves the integrity of the reading frame.